The following is an entry in ClinVar:

ClinVar aggregate classification (germline): Uncertain significance. Review status: criteria provided, multiple submitters, no conflicts (2 of 4 stars). 2 submissions from 2 submitters: Uncertain significance (2). Last evaluated 2025-01-23.

Conditions:
Myofibrillar myopathy 5. Also called: FILAMINOPATHY, AUTOSOMAL DOMINANT; Filaminopathy (type). Identifiers: Orphanet 171445, MedGen C1836050, MONDO:0012289, OMIM 609524.
Hypertrophic cardiomyopathy 26. Also called: Cardiomyopathy, familial hypertrophic, 26. Identifiers: Orphanet 75249, MedGen C4310749, MONDO:0014883, OMIM 617047.
Dilated Cardiomyopathy, Dominant.
Distal myopathy with posterior leg and anterior hand involvement. Also called: WILLIAMS DISTAL MYOPATHY. Identifiers: Orphanet 63273, MedGen C3279722, MONDO:0013550, OMIM 614065.

Allele frequency attached by ClinVar (database versions not stated): gnomAD exomes below 0.00001; ExAC 0.00001; gnomAD 0.00001.
gnomAD v4.1: 2 of 1,613,652 alleles (0.00012%); highest among the groups gnomAD compares: Non-Finnish European, 0.00017%; no homozygotes.

Submissions (2):

Labcorp Genetics (formerly Invitae), Labcorp
Classification: Uncertain significance for Distal myopathy with posterior leg and anterior hand involvement; Myofibrillar myopathy 5; Hypertrophic cardiomyopathy 26. Last evaluated: 2025-01-23. Review status: criteria provided, single submitter. Criteria: Invitae Variant Classification Sherloc (09022015). Collection method: clinical testing. Allele origin: germline.
Comment: This sequence change replaces arginine, which is basic and polar, with glycine, which is neutral and non-polar, at codon 1458 of the FLNC protein (p.Arg1458Gly). This variant is present in population databases (rs762257502, gnomAD 0.0009%). This variant has not been reported in the literature in individuals affected with FLNC-related conditions. ClinVar contains an entry for this variant (Variation ID: 575035). Invitae Evidence Modeling of protein sequence and biophysical properties (such as structural, functional, and spatial information, amino acid conservation, physicochemical variation, residue mobility, and thermodynamic stability) has been performed for this missense variant. However, the output from this modeling did not meet the statistical confidence thresholds required to predict the impact of this variant on FLNC protein function. In summary, the available evidence is currently insufficient to determine the role of this variant in disease. Therefore, it has been classified as a Variant of Uncertain Significance.

GeneDx
Classification: Uncertain significance. Last evaluated: 2022-07-01. Review status: criteria provided, single submitter. Criteria: GeneDx Variant Classification Process June 2021. Collection method: clinical testing. Allele origin: germline. Affected: yes.
Comment: Has not been previously published as pathogenic or benign to our knowledge; Not observed at a significant frequency in large population cohorts (gnomAD); In silico analysis, which includes protein predictors and evolutionary conservation, supports a deleterious effect; Reported in ClinVar but additional evidence is not available

NM_001458.5(FLNC):c.4372A>G (p.Arg1458Gly)

Gene: FLNC (filamin C; plus strand). Cytogenetic location: 7q32.1.
Variant type: single nucleotide variant.
Coding change: c.4372A>G on transcript NM_001458.5 (MANE Select); coding-DNA position 4372, A replaced by G.
Protein change: p.Arg1458Gly; replaces arginine 1458 with glycine.
Molecular consequence: missense variant.
Genome position (GRCh38, 1-based): chr7:128,847,780, A>G. VCF-style: chr7-128847780-A-G. GRCh37 (hg19) VCF-style: chr7-128487834-A-G.
Other names: c.4372A>G, p.Arg1458Gly (NM_001127487.2); short protein forms R1458G.
Identifiers: ClinVar variation 575035 (VCV000575035.10), dbSNP rs762257502, ClinGen allele CA4475322.
Genomic context (GRCh38, chr7:128,847,780, plus strand): 5'-AAGGATGTGGTGGACCCTGGGAAGGTGAAGTGCTCAGGGCCAGGGCTGGGGGCTGGTGTC[A>G]GGGCCCGGGTTCCTCAGACCTTCACAGTGGATTGCAGTCAAGCTGGCCGGGCGCCCCTGC-3'
Protein context (NP_001449.3, residues 1448-1468): CSGPGLGAGV[Arg1458Gly]ARVPQTFTVD